The following is an entry in ClinVar:

ClinVar aggregate classification (germline): Uncertain significance. Review status: criteria provided, multiple submitters, no conflicts (2 of 4 stars). 4 submissions from 4 submitters: Uncertain significance (4). Last evaluated 2026-03-21.

Conditions:
Bardet-Biedl syndrome 7 (BBS7). Identifiers: Orphanet 110, MedGen C1859565, MONDO:0014435, OMIM 615984.
Inborn genetic diseases. Identifiers: MedGen C0950123, MeSH D030342.
Bardet-Biedl syndrome (BBS). Identifiers: Orphanet 110, MedGen C0752166, MONDO:0015229.
BBS7-related disorder. Also called: BBS7-related condition.

Allele frequency attached by ClinVar (database versions not stated): ExAC 0.00004; TOPMed 0.00006; gnomAD 0.00007 and 0.00008; ESP Exome Variant Server 0.00015; gnomAD exomes 0.00001 and 0.00003.
gnomAD v4.1: 30 of 1,613,156 alleles (0.0019%); highest among the groups gnomAD compares: African/African-American, 0.035%; no homozygotes.

Submissions (4):

PreventionGenetics, part of Exact Sciences
Classification: Uncertain significance for BBS7-related condition. Last evaluated: 2026-03-21. Review status: criteria provided, single submitter. Criteria: ACMG Guidelines, 2015. Collection method: clinical testing. Allele origin: germline.
Comment: The BBS7 c.2108A>G variant is predicted to result in the amino acid substitution p.Tyr703Cys. To our knowledge, this variant has not been reported in the literature. This variant is reported in 0.048% of alleles in individuals of African descent in gnomAD. At this time, the clinical significance of this variant is uncertain due to the absence of conclusive functional and genetic evidence.

Ambry Genetics
Classification: Uncertain significance for Inborn genetic diseases. Last evaluated: 2025-12-09. Review status: criteria provided, single submitter. Criteria: Ambry Variant Classification Scheme 2023. Collection method: clinical testing. Allele origin: germline.

Fulgent Genetics
Classification: Uncertain significance for Bardet-Biedl syndrome 7. Last evaluated: 2024-03-12. Review status: criteria provided, single submitter. Criteria: ACMG Guidelines, 2015. Collection method: clinical testing. Allele origin: germline.

Labcorp Genetics (formerly Invitae), Labcorp
Classification: Uncertain significance for Bardet-Biedl syndrome. Last evaluated: 2022-05-12. Review status: criteria provided, single submitter. Criteria: Invitae Variant Classification Sherloc (09022015). Collection method: clinical testing. Allele origin: germline.
Comment: This sequence change replaces tyrosine, which is neutral and polar, with cysteine, which is neutral and slightly polar, at codon 703 of the BBS7 protein (p.Tyr703Cys). This variant is present in population databases (rs375825705, gnomAD 0.05%). This variant has not been reported in the literature in individuals affected with BBS7-related conditions. Algorithms developed to predict the effect of missense changes on protein structure and function (SIFT, PolyPhen-2, Align-GVGD) all suggest that this variant is likely to be tolerated. In summary, the available evidence is currently insufficient to determine the role of this variant in disease. Therefore, it has been classified as a Variant of Uncertain Significance.

NM_176824.3(BBS7):c.2108A>G (p.Tyr703Cys)

Gene: BBS7 (Bardet-Biedl syndrome 7; minus strand). Cytogenetic location: 4q27.
Variant type: single nucleotide variant.
Coding change: c.2108A>G on transcript NM_176824.3 (MANE Select); coding-DNA position 2108, A replaced by G.
Protein change: p.Tyr703Cys; replaces tyrosine 703 with cysteine.
Molecular consequence: missense variant.
Genome position (GRCh38, 1-based): chr4:121,825,900, T>C on the plus strand (A>G on the coding strand, the complement: BBS7 is on the minus strand). VCF-style: chr4-121825900-T-C. GRCh37 (hg19) VCF-style: chr4-122747055-T-C.
Other names: c.2108A>G (NM_176824.2); short protein forms Y703C.
Identifiers: ClinVar variation 1468650 (VCV001468650.7), dbSNP rs375825705, ClinGen allele CA3064054.
Genomic context (GRCh38, chr4:121,825,900, plus strand): 5'-GACTTTACCTTATTTGTATGTCATGCTGCATCGAAGAATGAAATCAATGCATTTTGGTCA[T>C]AACTGTCCAGAATTTCCAATAGAAGGGGTACTTTAGTTTTTACATTGGTGCCTTTAAACT-3'
Protein context (NP_789794.1, residues 693-713): VPLLLEILDS[Tyr703Cys]DQNALISFFD